The following is an entry in ClinVar:

ClinVar aggregate classification (germline): Conflicting classifications of pathogenicity. Review status: criteria provided, conflicting classifications (1 of 4 stars). 4 submissions from 4 submitters: Likely pathogenic (2); Uncertain significance (1). 1 of the submissions does not count toward it. Last evaluated 2025-12-03.

Conditions:
Tubulinopathy. Also called: Tubulinopathies. Identifiers: MedGen CN850169, MONDO:0100153.
Lissencephaly. Also called: Lissencephaly spectrum disorders. Identifiers: Orphanet 48471, MedGen C0266463, MeSH D054082, MONDO:0018838, HP:0001339.
Lissencephaly due to TUBA1A mutation (CDCBM16). Also called: CORTICAL DYSPLASIA, COMPLEX, WITH OTHER BRAIN MALFORMATIONS 16; Lissencephaly 3. Identifiers: Orphanet 171680, MedGen C4305153, MONDO:0012703, OMIM 611603.

Submissions (4):

Labcorp Genetics (formerly Invitae), Labcorp
Classification: Uncertain significance. Last evaluated: 2025-12-03. Review status: criteria provided, single submitter. Criteria: Invitae Variant Classification Sherloc (09022015). Collection method: clinical testing. Allele origin: germline.
Comment: This sequence change replaces isoleucine, which is neutral and non-polar, with threonine, which is neutral and polar, at codon 332 of the TUBA1A protein (p.Ile332Thr). This variant is not present in population databases (gnomAD no frequency). This missense change has been observed in individuals with lissencephaly (PMID: 28454995, 29671837). ClinVar contains an entry for this variant (Variation ID: 160169). Invitae Evidence Modeling of protein sequence and biophysical properties (such as structural, functional, and spatial information, amino acid conservation, physicochemical variation, residue mobility, and thermodynamic stability) indicates that this missense variant is not expected to disrupt TUBA1A protein function with a negative predictive value of 80%. In summary, the available evidence is currently insufficient to determine the role of this variant in disease. Therefore, it has been classified as a Variant of Uncertain Significance.

Institute of Human Genetics, FAU Erlangen, Friedrich-Alexander-Universität Erlangen-Nürnberg
Classification: Likely pathogenic for Tubulinopathies. Last evaluated: 2018-07-01. Review status: criteria provided, single submitter. Criteria: ACMG Guidelines, 2015. Collection method: literature only. Allele origin: germline. Affected: yes. Observed: 1 variant allele.
Comment: The c.995T>C, p.(Ile332Thr) variant has been reported as a variant of germline/unknown origin.

Genetic Services Laboratory, University of Chicago
Classification: Likely pathogenic for Lissencephaly 3. Last evaluated: 2013-02-08. Review status: criteria provided, single submitter. Criteria: ACMG Guidelines, 2007. Collection method: clinical testing. Allele origin: germline. Inheritance: Autosomal dominant inheritance. Affected: yes.

University of Washington Center for Mendelian Genomics, University of Washington
Classification: Uncertain significance for lissencephaly. Review status: no assertion criteria provided. Collection method: research. Allele origin: unknown. Affected: yes. Not counted in ClinVar's aggregate classification.

Literature cited by the submitters: PubMed 28454995 (cited by Labcorp Genetics (formerly Invitae), Labcorp); PubMed 29671837 (cited by Labcorp Genetics (formerly Invitae), Labcorp and University of Washington Center for Mendelian Genomics, University of Washington); PubMed 30744660 (cited by Institute of Human Genetics, FAU Erlangen, Friedrich-Alexander-Universität Erlangen-Nürnberg); DOI 10.1101/427948 (cited by Institute of Human Genetics, FAU Erlangen, Friedrich-Alexander-Universität Erlangen-Nürnberg).

NM_006009.4(TUBA1A):c.995T>C (p.Ile332Thr)

Gene: TUBA1A (tubulin alpha 1a; minus strand). Cytogenetic location: 12q13.12.
Variant type: single nucleotide variant.
Coding change: c.995T>C on transcript NM_006009.4 (MANE Select); coding-DNA position 995, T replaced by C.
Protein change: p.Ile332Thr; replaces isoleucine 332 with threonine.
Molecular consequence: missense variant.
Genome position (GRCh38, 1-based): chr12:49,185,371, A>G on the plus strand (T>C on the coding strand, the complement: TUBA1A is on the minus strand). VCF-style: chr12-49185371-A-G. GRCh37 (hg19) VCF-style: chr12-49579154-A-G.
Other names: c.995T>C, p.Ile332Thr (NM_001270399.2); c.890T>C, p.Ile297Thr (NM_001270400.2); short protein forms I332T, I297T.
Identifiers: ClinVar variation 160169 (VCV000160169.9), dbSNP rs587784497, ClinGen allele CA213289.